The following is an entry in ClinVar:

NM_000255.4(MMUT):c.349G>T (p.Glu117Ter)

Gene: MMUT (methylmalonyl-CoA mutase; minus strand). Cytogenetic location: 6p12.3.
Variant type: single nucleotide variant.
Coding change: c.349G>T on transcript NM_000255.4 (MANE Select); coding-DNA position 349, G replaced by T.
Protein change: p.Glu117Ter; replaces glutamic acid 117 with a stop codon.
Molecular consequence: nonsense.
Genome position (GRCh38, 1-based): chr6:49,459,118, C>A on the plus strand (G>T on the coding strand, the complement: MMUT is on the minus strand). VCF-style: chr6-49459118-C-A. GRCh37 (hg19) VCF-style: chr6-49426831-C-A.
Other names: short protein forms E117*.
Identifiers: ClinVar variation 1882 (VCV000001882.13), dbSNP rs121918253, ClinGen allele CA115264.

ClinVar aggregate classification (germline): Pathogenic. Review status: criteria provided, single submitter (1 of 4 stars). 4 submissions from 4 submitters: Pathogenic (1). 3 of the submissions do not count toward it. Last evaluated 2024-01-09.

Conditions:
Methylmalonic aciduria due to complete methylmalonyl-CoA mutase deficiency.
Methylmalonic aciduria due to methylmalonyl-CoA mutase deficiency (MAMM). Also called: Methylmalonic aciduria, mut type. Identifiers: Orphanet 27, MedGen C1855114, MONDO:0009612, OMIM 251000.
METHYLMALONIC ACIDURIA, mut(-) TYPE. Identifiers: MedGen C1855116, OMIM 251000.

gnomAD v4.1: 11 of 1,614,154 alleles (0.00068%); highest among the groups gnomAD compares: East Asian, 0.025%; no homozygotes.

Submissions (4):

Labcorp Genetics (formerly Invitae), Labcorp
Classification: Pathogenic. Last evaluated: 2024-01-09. Review status: criteria provided, single submitter. Criteria: Invitae Variant Classification Sherloc (09022015). Collection method: clinical testing. Allele origin: germline.
Comment: This sequence change creates a premature translational stop signal (p.Glu117*) in the MUT gene. It is expected to result in an absent or disrupted protein product. Loss-of-function variants in MUT are known to be pathogenic (PMID: 15781192). This variant is not present in population databases (gnomAD no frequency). This premature translational stop signal has been observed in individuals with methylmalonyl-CoA mutase deficiency (PMID: 7951229). ClinVar contains an entry for this variant (Variation ID: 1882). Algorithms developed to predict the effect of sequence changes on RNA splicing suggest that this variant may disrupt the consensus splice site. For these reasons, this variant has been classified as Pathogenic.

Natera, Inc.
Classification: Pathogenic for Methylmalonic aciduria due to complete methylmalonyl-CoA mutase deficiency. Last evaluated: 2020-09-30. Review status: no assertion criteria provided. Collection method: clinical testing. Allele origin: germline. Not counted in ClinVar's aggregate classification.

Counsyl
Classification: Pathogenic for Methylmalonic aciduria due to methylmalonyl-CoA mutase deficiency. Last evaluated: 2017-11-22. Review status: no assertion criteria provided. Collection method: clinical testing. Allele origin: unknown. Not counted in ClinVar's aggregate classification.

OMIM
Classification: Pathogenic for METHYLMALONIC ACIDURIA, mut(-) TYPE. Last evaluated: 1994-06-01. Review status: no assertion criteria provided. Collection method: literature only. Allele origin: germline. Not counted in ClinVar's aggregate classification.

Literature cited by the submitters: PubMed 15781192 (cited by Labcorp Genetics (formerly Invitae), Labcorp); PubMed 7951229 (cited by Labcorp Genetics (formerly Invitae), Labcorp and OMIM); PubMed 16490061 (cited by Counsyl); PubMed 9929975 (cited by Counsyl).